The following is an entry in ClinVar:

NM_002473.6(MYH9):c.2713C>T (p.Arg905Cys)

Genes: MYH9 (myosin heavy chain 9; minus strand), LOC126863137 (CDK7 strongly-dependent group 2 enhancer GRCh37_chr22:36696002-36697201; plus strand). Cytogenetic location: 22q12.3.
Variant type: single nucleotide variant.
Coding change: c.2713C>T on transcript NM_002473.6 (MANE Select); coding-DNA position 2713, C replaced by T.
Protein change: p.Arg905Cys; replaces arginine 905 with cysteine.
Molecular consequence: missense variant.
Genome position (GRCh38, 1-based): chr22:36,300,976, G>A on the plus strand (C>T on the coding strand, the complement: MYH9 is on the minus strand). VCF-style: chr22-36300976-G-A. GRCh37 (hg19) VCF-style: chr22-36697022-G-A.
Other names: short protein forms R905C.
Identifiers: ClinVar variation 1696936 (VCV001696936.10), dbSNP rs377115843, ClinGen allele CA10209886.

ClinVar aggregate classification (germline): Conflicting classifications of pathogenicity. Review status: criteria provided, conflicting classifications (1 of 4 stars). 4 submissions from 4 submitters: Uncertain significance (3); Likely benign (1). Last evaluated 2024-04-20.

Conditions:
Macrothrombocytopenia and granulocyte inclusions with or without nephritis or sensorineural hearing loss (MATINS). Also called: BLEEDING DISORDER, PLATELET-TYPE, 6; MAY-HEGGLIN ANOMALY; DOHLE LEUKOCYTE INCLUSIONS WITH GIANT PLATELETS; MACROTHROMBOCYTOPENIA WITH LEUKOCYTE INCLUSIONS; SEBASTIAN PLATELET SYNDROME; MACROTHROMBOCYTOPENIA WITH DISPERSED LEUKOCYTIC INCLUSIONS. Identifiers: Orphanet 182050, MedGen C5200934, MONDO:0015912, OMIM 155100.
Autosomal dominant nonsyndromic hearing loss 17. Also called: Autosomal dominant nonsyndromic deafness 17; Deafness, autosomal dominant 17. Identifiers: Orphanet 90635, MedGen C1863659, MONDO:0011350, OMIM 603622.
Inborn genetic diseases. Identifiers: MedGen C0950123, MeSH D030342.

Allele frequency attached by ClinVar (database versions not stated): gnomAD 0.00002 and 0.00003; TOPMed 0.00002; gnomAD exomes 0.00005 and 0.00007; ExAC 0.00007; ESP Exome Variant Server 0.00008.
gnomAD v4.1: 96 of 1,611,578 alleles (0.006%); highest among the groups gnomAD compares: South Asian, 0.035%; no homozygotes.

Submissions (4):

Ambry Genetics
Classification: Uncertain significance for Inborn genetic diseases. Last evaluated: 2024-04-20. Review status: criteria provided, single submitter. Criteria: Ambry Variant Classification Scheme 2023. Collection method: clinical testing. Allele origin: germline.

GeneDx
Classification: Uncertain significance. Last evaluated: 2023-10-06. Review status: criteria provided, single submitter. Criteria: GeneDx Variant Classification Process June 2021. Collection method: clinical testing. Allele origin: germline. Affected: yes.
Comment: In silico analysis supports that this missense variant has a deleterious effect on protein structure/function; Has not been previously published as pathogenic or benign to our knowledge

Labcorp Genetics (formerly Invitae), Labcorp
Classification: Likely benign. Last evaluated: 2022-06-14. Review status: criteria provided, single submitter. Criteria: Invitae Variant Classification Sherloc (09022015). Collection method: clinical testing. Allele origin: germline.

Fulgent Genetics
Classification: Uncertain significance for Macrothrombocytopenia and granulocyte inclusions with or without nephritis or sensorineural hearing loss; Autosomal dominant nonsyndromic hearing loss 17. Last evaluated: 2021-11-12. Review status: criteria provided, single submitter. Criteria: ACMG Guidelines, 2015. Collection method: clinical testing. Allele origin: unknown.